The following is an entry in ClinVar:

NM_000214.3(JAG1):c.2280G>T (p.Val760=)

Gene: JAG1 (jagged canonical Notch ligand 1; minus strand). Cytogenetic location: 20p12.2.
Variant type: single nucleotide variant.
Coding change: c.2280G>T on transcript NM_000214.3 (MANE Select); coding-DNA position 2280, G replaced by T.
Protein change: p.Val760=; no amino-acid change (valine 760 retained).
Molecular consequence: synonymous variant.
Genome position (GRCh38, 1-based): chr20:10,644,927, C>A on the plus strand (G>T on the coding strand, the complement: JAG1 is on the minus strand). VCF-style: chr20-10644927-C-A. GRCh37 (hg19) VCF-style: chr20-10625575-C-A.
Identifiers: ClinVar variation 2062258 (VCV002062258.7), dbSNP rs1030098117, ClinGen allele CA311345360.

ClinVar aggregate classification (germline): Benign/Likely benign. Review status: criteria provided, multiple submitters, no conflicts (2 of 4 stars). 3 submissions from 3 submitters: Benign (1); Likely benign (2). Last evaluated 2026-09-15.

Conditions:
JAG1-related disorder. Also called: JAG1-related disorders; JAG1-related condition.
Cardiovascular phenotype. Identifiers: MedGen CN230736.
Alagille syndrome due to a JAG1 point mutation. Also called: JAG1-Related Alagille Syndrome; HEPATIC DUCTULAR HYPOPLASIA, SYNDROMATIC; Alagille Syndrome 1. Identifiers: Orphanet 261619, Orphanet 52, MedGen C1956125, MONDO:0016862, OMIM 118450.

Allele frequency attached by ClinVar (database versions not stated): gnomAD 0.00003.
gnomAD v4.1: 14 of 1,614,032 alleles (0.00087%); highest among the groups gnomAD compares: African/African-American, 0.017%; no homozygotes.

Submissions (3):

PreventionGenetics, part of Exact Sciences
Classification: Likely benign for JAG1-related condition. Last evaluated: 2026-09-15. Review status: criteria provided, single submitter. Criteria: ACMG Guidelines, 2015. Collection method: clinical testing. Allele origin: germline.
Comment: This variant is classified as likely benign based on ACMG/AMP sequence variant interpretation guidelines (Richards et al. 2015 PMID: 25741868, with internal and published modifications).

Labcorp Genetics (formerly Invitae), Labcorp
Classification: Benign for Alagille syndrome due to a JAG1 point mutation. Last evaluated: 2025-08-09. Review status: criteria provided, single submitter. Criteria: Invitae Variant Classification Sherloc (09022015). Collection method: clinical testing. Allele origin: germline.

Ambry Genetics
Classification: Likely benign for Cardiovascular phenotype. Last evaluated: 2022-11-20. Review status: criteria provided, single submitter. Criteria: Ambry Variant Classification Scheme 2023. Collection method: clinical testing. Allele origin: germline.